The following is an entry in ClinVar:

NM_014915.3(ANKRD26):c.71C>A (p.Ala24Glu)

Genes: ANKRD26 (ankyrin repeat domain 26; minus strand), LOC130003554 (ATAC-STARR-seq lymphoblastoid silent region 2243; plus strand). Cytogenetic location: 10p12.1.
Variant type: single nucleotide variant.
Coding change: c.71C>A on transcript NM_014915.3 (MANE Select); coding-DNA position 71, C replaced by A.
Protein change: p.Ala24Glu; replaces alanine 24 with glutamic acid.
Molecular consequence: missense variant.
Genome position (GRCh38, 1-based): chr10:27,100,256, G>T on the plus strand (C>A on the coding strand, the complement: ANKRD26 is on the minus strand). VCF-style: chr10-27100256-G-T. GRCh37 (hg19) VCF-style: chr10-27389185-G-T.
Other names: c.71C>A, p.Ala24Glu (NM_001256053.2); short protein forms A24E.
Identifiers: ClinVar variation 4579803 (VCV004579803.1).
Genomic context (GRCh38, chr10:27,100,256, plus strand): 5'-TCTCGGACGTGGTAGCCGGGCTGCGAGTAGGCGCCCTCCCCCGGCTCGCCCCCGCCTCCC[G>T]CGCTGCTCCTCTGCCGCCGCGCGAAGGAGCCCAAGGGCGACTCGCCCTTCTTACTAAAAA-3'
Protein context (NP_055730.2, residues 14-34): GSFARRQRSS[Ala24Glu]GGGGEPGEGA

ClinVar aggregate classification (germline): Uncertain significance (1 of 4 stars; one submission).

Conditions:
Inborn genetic diseases. Identifiers: MedGen C0950123, MeSH D030342.

Submission:

Ambry Genetics
Classification: Uncertain significance for Inborn genetic diseases. Last evaluated: 2025-11-03. Review status: criteria provided, single submitter. Criteria: Ambry Variant Classification Scheme 2023. Collection method: clinical testing. Allele origin: germline.
Comment: The p.A24E variant (also known as c.71C>A), located in coding exon 1 of the ANKRD26 gene, results from a C to A substitution at nucleotide position 71. The alanine at codon 24 is replaced by glutamic acid, an amino acid with dissimilar properties. This amino acid position is conserved. In addition, this alteration is predicted to be tolerated by in silico analysis. Based on the available evidence, the clinical significance of this variant remains unclear.